The following is an entry in ClinVar:

ClinVar aggregate classification (germline): Uncertain significance (1 of 4 stars; one submission).

gnomAD v4.1: 2 of 1,504,978 alleles (0.00013%); highest among the groups gnomAD compares: Admixed American, 0.0022%; no homozygotes.

Submission:

Ambry Genetics
Classification: Uncertain significance. Last evaluated: 2026-05-14. Review status: criteria provided, single submitter. Criteria: Ambry Variant Classification Scheme 2023. Collection method: clinical testing. Allele origin: germline.
Comment: The p.G670R variant (also known as c.2008G>A), located in coding exon 8 of the WNK2 gene, results from a G to A substitution at nucleotide position 2008. The glycine at codon 670 is replaced by arginine, an amino acid with dissimilar properties. This amino acid position is conserved. In addition, the in silico prediction for this alteration is inconclusive. Based on the available evidence, the clinical significance of this variant remains unclear.

NM_006648.4(WNK2):c.2008G>A (p.Gly670Arg)

Gene: WNK2 (WNK lysine deficient protein kinase 2; plus strand). Cytogenetic location: 9q22.31.
Variant type: single nucleotide variant.
Coding change: c.2008G>A on transcript NM_006648.4 (MANE Select); coding-DNA position 2008, G replaced by A.
Protein change: p.Gly670Arg; replaces glycine 670 with arginine.
Molecular consequence: missense variant.
Genome position (GRCh38, 1-based): chr9:93,253,056, G>A. VCF-style: chr9-93253056-G-A. GRCh37 (hg19) VCF-style: chr9-96015338-G-A.
Other names: c.2008G>A, p.Gly670Arg (NM_001282394.3); short protein forms G670R.
Identifiers: ClinVar variation 4866658 (VCV004866658.1).